The following is an entry in ClinVar:

NM_000130.5(F5):c.*873C>T

Gene: F5 (coagulation factor V; minus strand). Cytogenetic location: 1q24.2.
Variant type: single nucleotide variant.
Coding change: c.*873C>T on transcript NM_000130.5 (MANE Select); 873 bases downstream of the stop codon, C replaced by T.
Molecular consequence: 3 prime UTR variant.
Genome position (GRCh38, 1-based): chr1:169,513,440, G>A on the plus strand (C>T on the coding strand, the complement: F5 is on the minus strand). VCF-style: chr1-169513440-G-A. GRCh37 (hg19) VCF-style: chr1-169482678-G-A.
Identifiers: ClinVar variation 293556 (VCV000293556.7), dbSNP rs9332673, ClinGen allele CA10608148.

ClinVar aggregate classification (germline): Benign. Review status: criteria provided, multiple submitters, no conflicts (2 of 4 stars). 4 submissions from 2 submitters: Benign (4). Last evaluated 2021-05-11.

Conditions:
Factor V deficiency. Also called: Reduced coagulation factor V activity. Identifiers: Orphanet 326, MedGen C4317320, MONDO:0020586, HP:0003225.
Thrombophilia due to thrombin defect (THPH1). Also called: Thrombosis susceptibility; THROMBOPHILIA DUE TO FACTOR 2 DEFECT; Prothrombin-Related Thrombophilia (Factor II); Prothrombin Thrombophilia. Identifiers: MedGen C3160733, MONDO:0008559, OMIM 188050. Disease mechanism: gain of function, loss of function.
Budd-Chiari syndrome (BDCHS). Also called: Hepatic vein obstruction. Identifiers: Orphanet 131, MedGen C0856761, MONDO:0010947, OMIM 600880, HP:0002639.

Allele frequency attached by ClinVar (database versions not stated): 1000 Genomes Project 30x 0.04403; 1000 Genomes Project 0.04533; TOPMed 0.05161; gnomAD 0.05461 and 0.05551.
gnomAD v4.1: 8,411 of 152,102 alleles (5.5%); highest among the groups gnomAD compares: Admixed American, 10%; 345 homozygotes.

Submissions (4):

GeneDx
Classification: Benign. Last evaluated: 2021-05-11. Review status: criteria provided, single submitter. Criteria: GeneDx Variant Classification Process June 2021. Collection method: clinical testing. Allele origin: germline. Affected: yes.

Illumina Laboratory Services, Illumina
Classification: Benign for Budd-Chiari syndrome. Last evaluated: 2018-01-12. Review status: criteria provided, single submitter. Criteria: ICSL Variant Classification Criteria 13 December 2019. Collection method: clinical testing. Allele origin: germline.
Comment: This variant was observed in the ICSL laboratory as part of a predisposition screen in an ostensibly healthy population. It had not been previously curated by ICSL or reported in the Human Gene Mutation Database (HGMD: prior to June 1st, 2018), and was therefore a candidate for classification through an automated scoring system. Utilizing variant allele frequency, disease prevalence and penetrance estimates, and inheritance mode, an automated score was calculated to assess if this variant is too frequent to cause the disease. Based on the score and internal cut-off values, a variant classified as benign is not then subjected to further curation. The score for this variant resulted in a classification of benign for this disease.

Illumina Laboratory Services, Illumina
Classification: Benign for Venous thrombosis. Last evaluated: 2018-01-12. Review status: criteria provided, single submitter. Criteria: ICSL Variant Classification Criteria 13 December 2019. Collection method: clinical testing. Allele origin: germline.
Comment: the same text as in the submission from Illumina Laboratory Services, Illumina above.

Illumina Laboratory Services, Illumina
Classification: Benign for Congenital factor V deficiency. Last evaluated: 2018-01-12. Review status: criteria provided, single submitter. Criteria: ICSL Variant Classification Criteria 13 December 2019. Collection method: clinical testing. Allele origin: germline.
Comment: the same text as in the submission from Illumina Laboratory Services, Illumina above.